The following is an entry in ClinVar:

NM_000038.6(APC):c.616A>G (p.Thr206Ala)

Gene: APC (APC regulator of Wnt signaling pathway; plus strand). Cytogenetic location: 5q22.2.
Variant type: single nucleotide variant.
Coding change: c.616A>G on transcript NM_000038.6 (MANE Select); coding-DNA position 616, A replaced by G.
Protein change: p.Thr206Ala; replaces threonine 206 with alanine.
Molecular consequence: missense variant. On other transcripts: 5 prime UTR variant (4), non-coding transcript variant (2).
Genome position (GRCh38, 1-based): chr5:112,780,874, A>G. VCF-style: chr5-112780874-A-G. GRCh37 (hg19) VCF-style: chr5-112116571-A-G.
Other names: c.616A>G, p.Thr206Ala (NM_001127510.3, NM_001354895.2, NM_001354896.2 and 16 more transcripts); c.646A>G, p.Thr216Ala (NM_001127511.3, NM_001354897.2, NM_001354902.2 and 1 more transcripts); c.541A>G, p.Thr181Ala (NM_001354898.2, NM_001354904.2, NM_001407451.1); c.439A>G, p.Thr147Ala (NM_001354900.2, NM_001354901.2, NM_001354905.2 and 1 more transcripts); c.-420A>G (NM_001354906.2, NM_001407470.1, NM_001407471.1 and 1 more transcripts); short protein forms T147A, T181A, T206A, T216A.
Identifiers: ClinVar variation 3230843 (VCV003230843.1), dbSNP rs1758255750, ClinGen allele CA16022685.

ClinVar aggregate classification (germline): Uncertain significance (1 of 4 stars; one submission).

Conditions:
Hereditary cancer-predisposing syndrome. Also called: Neoplastic Syndromes, Hereditary; Tumor predisposition; Hereditary neoplastic syndrome; Hereditary Cancer Syndrome. Identifiers: Orphanet 140162, MedGen C0027672, MeSH D009386, MONDO:0015356.

Allele frequency attached by ClinVar (database versions not stated): gnomAD exomes below 0.00001.
gnomAD v4.1: 2 of 1,612,136 alleles (0.00012%); highest among the groups gnomAD compares: Non-Finnish European, 0.00017%; no homozygotes.

Submission:

Ambry Genetics
Classification: Uncertain significance for Hereditary cancer-predisposing syndrome. Last evaluated: 2023-10-04. Review status: criteria provided, single submitter. Criteria: Ambry Variant Classification Scheme 2023. Collection method: clinical testing. Allele origin: germline.
Comment: The p.T206A variant (also known as c.616A>G), located in coding exon 5 of the APC gene, results from an A to G substitution at nucleotide position 616. The threonine at codon 206 is replaced by alanine, an amino acid with similar properties. This amino acid position is well conserved in available vertebrate species. In addition, in silico predictors for this gene do not accurately predict pathogenicity. Since supporting evidence is limited at this time, the clinical significance of this alteration remains unclear.